The following is an entry in ClinVar:

NM_000458.4(HNF1B):c.1501A>G (p.Met501Val)

Gene: HNF1B (HNF1 homeobox B; minus strand). Cytogenetic location: 17q12.
Variant type: single nucleotide variant.
Coding change: c.1501A>G on transcript NM_000458.4 (MANE Select); coding-DNA position 1501, A replaced by G.
Protein change: p.Met501Val; replaces methionine 501 with valine.
Molecular consequence: missense variant. On other transcripts: intron variant (1).
Genome position (GRCh38, 1-based): chr17:37,701,016, T>C on the plus strand (A>G on the coding strand, the complement: HNF1B is on the minus strand). VCF-style: chr17-37701016-T-C. GRCh37 (hg19) VCF-style: chr17-36061021-T-C.
Other names: c.1423A>G, p.Met475Val (NM_001165923.4); c.1501A>G, p.Met501Val (NM_001411100.1); c.1261+3901A>G (NM_001304286.2); short protein forms M475V, M501V.
Identifiers: ClinVar variation 1774025 (VCV001774025.2), dbSNP rs1328383331, ClinGen allele CA398754823.
Genomic context (GRCh38, chr17:37,701,016, plus strand): 5'-CCTCCCTCCACATGCCCGTGTCCTTACTGTGTGAGTTCTGCAGCTGAGTCACAGCTGCCA[T>C]GAAGGGCTGCTGGGCCATGTGGCTGCCTGGGCTCTGCTGCATGAGGGGCTGCTGGTGAGG-3'
Protein context (NP_000449.1, residues 491-511): PGSHMAQQPF[Met501Val]AAVTQLQNSH

ClinVar aggregate classification (germline): Uncertain significance (1 of 4 stars; one submission).

Conditions:
Maturity-onset diabetes of the young (MODY). Also called: Maturity onset diabetes mellitus in young. Identifiers: Orphanet 552, MedGen C0342276, MONDO:0018911, HP:0004904.

Allele frequency attached by ClinVar (database versions not stated): gnomAD exomes below 0.00001; TOPMed below 0.00001.
gnomAD v4.1: 1 of 1,558,300 alleles (0.000064%); highest among the groups gnomAD compares: Non-Finnish European, 0.000087%; no homozygotes.

Submission:

Ambry Genetics
Classification: Uncertain significance for Maturity-onset diabetes of the young. Last evaluated: 2018-09-30. Review status: criteria provided, single submitter. Criteria: Ambry Variant Classification Scheme 2023. Collection method: clinical testing. Allele origin: germline.
Comment: The p.M501V variant (also known as c.1501A>G), located in coding exon 7 of the HNF1B gene, results from an A to G substitution at nucleotide position 1501. The methionine at codon 501 is replaced by valine, an amino acid with highly similar properties. This amino acid position is highly conserved in available vertebrate species. In addition, this alteration is predicted to be deleterious by in silico analysis. Since supporting evidence is limited at this time, the clinical significance of this alteration remains unclear.